The following is an entry in ClinVar:

ClinVar aggregate classification (germline): Uncertain significance. Review status: criteria provided, multiple submitters, no conflicts (2 of 4 stars). 2 submissions from 2 submitters: Uncertain significance (2). Last evaluated 2022-05-21.

Conditions:
Peroxisome biogenesis disorder 9B. Also called: PEROXISOME BIOGENESIS DISORDER, PEX7-RELATED, ATYPICAL; PEX7-Related Refsum Disease; Refsum disease, adult, 2. Identifiers: Orphanet 773, MedGen C2749346, MONDO:0013945, OMIM 614879.

Allele frequency attached by ClinVar (database versions not stated): gnomAD exomes below 0.00001 and 0.00001; gnomAD 0.00001.
gnomAD v4.1: 4 of 1,613,786 alleles (0.00025%); highest among the groups gnomAD compares: Admixed American, 0.0067%; no homozygotes.

Submissions (2):

Labcorp Genetics (formerly Invitae), Labcorp
Classification: Uncertain significance for Peroxisome biogenesis disorder 9B. Last evaluated: 2022-05-21. Review status: criteria provided, single submitter. Criteria: Invitae Variant Classification Sherloc (09022015). Collection method: clinical testing. Allele origin: germline.
Comment: This variant has not been reported in the literature in individuals affected with PEX7-related conditions. This sequence change replaces threonine, which is neutral and polar, with serine, which is neutral and polar, at codon 97 of the PEX7 protein (p.Thr97Ser). This variant is present in population databases (no rsID available, gnomAD 0.003%). ClinVar contains an entry for this variant (Variation ID: 1028672). Algorithms developed to predict the effect of missense changes on protein structure and function (SIFT, PolyPhen-2, Align-GVGD) all suggest that this variant is likely to be tolerated. In summary, the available evidence is currently insufficient to determine the role of this variant in disease. Therefore, it has been classified as a Variant of Uncertain Significance.

Baylor Genetics
Classification: Uncertain significance for Peroxisome biogenesis disorder 9B. Last evaluated: 2019-02-27. Review status: criteria provided, single submitter. Criteria: ACMG Guidelines, 2015. Collection method: clinical testing. Allele origin: unknown. Affected: yes.
Comment: This variant was determined to be of uncertain significance according to ACMG Guidelines, 2015 [PMID:25741868].

NM_000288.4(PEX7):c.290C>G (p.Thr97Ser)

Gene: PEX7 (peroxisomal biogenesis factor 7; plus strand). Cytogenetic location: 6q23.3.
Variant type: single nucleotide variant.
Coding change: c.290C>G on transcript NM_000288.4 (MANE Select); coding-DNA position 290, C replaced by G.
Protein change: p.Thr97Ser; replaces threonine 97 with serine.
Molecular consequence: missense variant.
Genome position (GRCh38, 1-based): chr6:136,826,420, C>G. VCF-style: chr6-136826420-C-G. GRCh37 (hg19) VCF-style: chr6-137147558-C-G.
Other names: short protein forms T97S.
Identifiers: ClinVar variation 1028672 (VCV001028672.5), dbSNP rs1391235393, ClinGen allele CA365855938.